The following is an entry in ClinVar:

NM_002474.3(MYH11):c.5339C>A (p.Ala1780Asp)

Genes: NDE1 (nudE neurodevelopment protein 1; plus strand), MYH11 (myosin heavy chain 11; minus strand). Cytogenetic location: 16p13.11.
Variant type: single nucleotide variant.
Coding change: c.5339C>A on transcript NM_002474.3 (MANE Select); coding-DNA position 5339, C replaced by A.
Protein change: p.Ala1780Asp; replaces alanine 1780 with aspartic acid.
Molecular consequence: missense variant. On other transcripts: intron variant (2).
Genome position (GRCh38, 1-based): chr16:15,717,305, G>T on the plus strand (C>A on the coding strand, the complement: MYH11 is on the minus strand). VCF-style: chr16-15717305-G-T. GRCh37 (hg19) VCF-style: chr16-15811162-G-T.
Other names: c.5360C>A, p.Ala1787Asp (NM_001040113.2, NM_001040114.2); c.5339C>A, p.Ala1780Asp (NM_022844.3); c.948-6886G>T (NM_001143979.2, NM_017668.3); short protein forms A1780D, A1787D.
Identifiers: ClinVar variation 3074744 (VCV003074744.1), dbSNP rs2506084159, ClinGen allele CA394849210.
Genomic context (GRCh38, chr16:15,717,305, plus strand): 5'-TTGCTCCGGAGCTCCTTGTTCTGCCGCTCGAGCTGCTGCCGGGCACTCTCATTCTTCTGG[G>T]CCGTGCTGCGCTCTGTGGCCAGCTCGTTGCTGAGCTGCTCGGCCTGGGGAGGAGAGTGAA-3'
Protein context (NP_002465.1, residues 1770-1790): SNELATERST[Ala1780Asp]QKNESARQQL

ClinVar aggregate classification (germline): Uncertain significance (1 of 4 stars; one submission).

Conditions:
Familial thoracic aortic aneurysm and aortic dissection (TAAD). Also called: Thoracic aortic aneurysms and dissections. Identifiers: Orphanet 91387, MedGen C4707243, MONDO:0019625.

gnomAD v4.1: 1 of 1,612,078 alleles (0.000062%); highest among the groups gnomAD compares: Non-Finnish European, 0.000085%; no homozygotes.

Submission:

All of Us Research Program, National Institutes of Health
Classification: Uncertain significance for Familial thoracic aortic aneurysm and aortic dissection. Last evaluated: 2023-12-13. Review status: criteria provided, single submitter. Criteria: ACMG Guidelines, 2015. Collection method: clinical testing. Allele origin: germline. Inheritance: Autosomal dominant inheritance. Observed: 1 variant allele, 1 heterozygote.
Comment: This missense variant replaces alanine with aspartic acid at codon 1787 of the MYH11 protein. Computational prediction is inconclusive regarding the impact of this variant on protein structure and function (internally defined REVEL score threshold 0.5 < inconclusive < 0.7, PMID: 27666373). To our knowledge, functional studies have not been reported for this variant. This variant has not been reported in individuals affected with MYH11-related disorders in the literature. This variant has not been identified in the general population by the Genome Aggregation Database (gnomAD). The available evidence is insufficient to determine the role of this variant in disease conclusively. Therefore, this variant is classified as a Variant of Uncertain Significance.

This study involves interpretation of variants in research participants for the purpose of population health screening. Participant phenotype was not available at the time of variant classification. Additional details can be found in publication PMID: 35346344, PMCID: PMC8962531